The following is an entry in ClinVar:

ClinVar aggregate classification (germline): Pathogenic (1 of 4 stars; one submission).

Conditions:
Cardiovascular phenotype. Identifiers: MedGen CN230736.

Submission:

Ambry Genetics
Classification: Pathogenic for Cardiovascular phenotype. Last evaluated: 2019-10-11. Review status: criteria provided, single submitter. Criteria: Ambry Variant Classification Scheme 2023. Collection method: clinical testing. Allele origin: germline.
Comment: The c.3240dupT pathogenic mutation, located in coding exon 30 of the MYBPC3 gene, results from a duplication of T at nucleotide position 3240. This duplication changes the amino acid from an asparagine to a stop codon (p.N1081*) within coding exon 30. This alteration is expected to result in loss of function by premature protein truncation or nonsense-mediated mRNA decay. As such, this alteration is interpreted as a disease-causing mutation.

NM_000256.3(MYBPC3):c.3240dup (p.Asn1081Ter)

Gene: MYBPC3 (myosin binding protein C3; minus strand). Cytogenetic location: 11p11.2.
Variant type: Duplication.
Coding change: c.3240dup on transcript NM_000256.3 (MANE Select); coding-DNA position 3240, one base duplicated (T; older notation c.3240dupT).
Protein change: p.Asn1081Ter; replaces asparagine 1081 with a stop codon.
Molecular consequence: nonsense.
Genome position (GRCh38, 1-based): chr11:47,333,284, A duplicated on the plus strand (T on the coding strand, the reverse complement: MYBPC3 is on the minus strand); the first of 2 consecutive A bases (chr11:47,333,284-47,333,285); duplicating either gives the same sequence. VCF-style (leftmost placement, unchanged base first): chr11-47333283-T-TA. GRCh37 (hg19) VCF-style: chr11-47354834-T-TA.
Other names: c.3240dupT (NM_000256.3); short protein forms N1081*.
Identifiers: ClinVar variation 1729302 (VCV001729302.2), dbSNP rs2495740202, ClinGen allele CA2580084228.